The following is an entry in ClinVar:

NM_052989.3(IFT122):c.3031G>C (p.Ala1011Pro)

Gene: IFT122 (intraflagellar transport 122; plus strand). Cytogenetic location: 3q22.1.
Variant type: single nucleotide variant.
Coding change: c.3031G>C on transcript NM_052989.3 (MANE Select); coding-DNA position 3031, G replaced by C.
Protein change: p.Ala1011Pro; replaces alanine 1011 with proline.
Molecular consequence: missense variant.
Genome position (GRCh38, 1-based): chr3:129,514,432, G>C. VCF-style: chr3-129514432-G-C. GRCh37 (hg19) VCF-style: chr3-129233275-G-C.
Other names: c.3010G>C, p.Ala1004Pro (NM_001280541.2); c.2581G>C, p.Ala861Pro (NM_001280545.2); c.2404G>C, p.Ala802Pro (NM_001280546.2); c.2854G>C, p.Ala952Pro (NM_018262.4); c.2701G>C, p.Ala901Pro (NM_052990.3); c.3184G>C, p.Ala1062Pro (NM_052985.4); short protein forms A1004P, A802P, A901P, A1011P, A1062P, A861P, A952P.
Identifiers: ClinVar variation 948374 (VCV000948374.13), dbSNP rs199622112, ClinGen allele CA2606760.

ClinVar aggregate classification (germline): Conflicting classifications of pathogenicity. Review status: criteria provided, conflicting classifications (1 of 4 stars). 5 submissions from 5 submitters: Likely pathogenic (2); Uncertain significance (2). 1 of the submissions does not count toward it. Last evaluated 2022-12-09.

Conditions:
IFT122-related disorder. Also called: IFT122-related condition.
Cranioectodermal dysplasia 1 (CED1). Also called: LEVIN SYNDROME I. Identifiers: Orphanet 1515, MedGen C0432235, MONDO:0021093, OMIM 218330.

Allele frequency attached by ClinVar (database versions not stated): gnomAD 0.00003 and 0.00004; TOPMed 0.00003.
gnomAD v4.1: 18 of 1,614,074 alleles (0.0011%); highest among the groups gnomAD compares: African/African-American, 0.0027%; no homozygotes.

Submissions (5):

GeneDx
Classification: Uncertain significance. Last evaluated: 2022-12-09. Review status: criteria provided, single submitter. Criteria: GeneDx Variant Classification Process June 2021. Collection method: clinical testing. Allele origin: germline. Affected: yes.
Comment: Observed with a second IFT122 variant, phase unknown, in a proband with craniosynostosis, micromelia, postaxial polydactyly of the hands, hydrops, and skeletal findings suggestive of short-rib polydactyly type IV (Silveira et al., 2017); In silico analysis supports that this missense variant has a deleterious effect on protein structure/function; In silico analysis suggests this variant may impact gene splicing. In the absence of RNA/functional studies, the actual effect of this sequence change is unknown.; This variant is associated with the following publications: (PMID: 19648123, 34529350, 28370949)

Labcorp Genetics (formerly Invitae), Labcorp
Classification: Likely pathogenic for Cranioectodermal dysplasia 1. Last evaluated: 2022-11-01. Review status: criteria provided, single submitter. Criteria: Invitae Variant Classification Sherloc (09022015). Collection method: clinical testing. Allele origin: germline.
Comment: ClinVar contains an entry for this variant (Variation ID: 948374). In summary, the currently available evidence indicates that the variant is pathogenic, but additional data are needed to prove that conclusively. Therefore, this variant has been classified as Likely Pathogenic. Algorithms developed to predict the effect of sequence changes on RNA splicing suggest that this variant may create or strengthen a splice site. Advanced modeling of protein sequence and biophysical properties (such as structural, functional, and spatial information, amino acid conservation, physicochemical variation, residue mobility, and thermodynamic stability) performed at Invitae indicates that this missense variant is expected to disrupt IFT122 protein function. This missense change has been observed in individual(s) with clinical features of short-rib thoracic dysplasia (PMID: 28370949; Invitae). In at least one individual the data is consistent with being in trans (on the opposite chromosome) from a pathogenic variant. This variant is present in population databases (rs199622112, gnomAD 0.01%). This sequence change replaces alanine, which is neutral and non-polar, with proline, which is neutral and non-polar, at codon 1062 of the IFT122 protein (p.Ala1062Pro).

Fulgent Genetics
Classification: Uncertain significance for Cranioectodermal dysplasia 1. Last evaluated: 2021-09-07. Review status: criteria provided, single submitter. Criteria: ACMG Guidelines, 2015. Collection method: clinical testing. Allele origin: unknown.

Blueprint Genetics
Classification: Likely pathogenic for IFT122-related disorders. Last evaluated: 2021-03-11. Review status: criteria provided, single submitter. Criteria: ACMG Guidelines, 2015. Collection method: clinical testing. Allele origin: germline. Affected: yes. Observed: 2 variant alleles.

OMIM
Classification: Pathogenic for CRANIOECTODERMAL DYSPLASIA 1. Last evaluated: 2011-02-01. Review status: no assertion criteria provided. Collection method: literature only. Allele origin: germline. Not counted in ClinVar's aggregate classification.

Literature cited by the submitters: PubMed 28370949 (cited by Labcorp Genetics (formerly Invitae), Labcorp and OMIM); PubMed 19648123 (cited by OMIM).